The following is an entry in ClinVar:

NM_004995.4(MMP14):c.1593G>C (p.Glu531Asp)

Gene: MMP14 (matrix metallopeptidase 14; plus strand). Cytogenetic location: 14q11.2.
Variant type: single nucleotide variant.
Coding change: c.1593G>C on transcript NM_004995.4 (MANE Select); coding-DNA position 1593, G replaced by C.
Protein change: p.Glu531Asp; replaces glutamic acid 531 with aspartic acid.
Molecular consequence: missense variant.
Genome position (GRCh38, 1-based): chr14:22,845,883, G>C. VCF-style: chr14-22845883-G-C. GRCh37 (hg19) VCF-style: chr14-23315092-G-C.
Other names: short protein forms E531D.
Identifiers: ClinVar variation 1966480 (VCV001966480.5), dbSNP rs2039809310, ClinGen allele CA388935070.

ClinVar aggregate classification (germline): Uncertain significance (1 of 4 stars; one submission).

Submission:

Labcorp Genetics (formerly Invitae), Labcorp
Classification: Uncertain significance. Last evaluated: 2025-10-08. Review status: criteria provided, single submitter. Criteria: Invitae Variant Classification Sherloc (09022015). Collection method: clinical testing. Allele origin: germline.
Comment: This sequence change replaces glutamic acid, which is acidic and polar, with aspartic acid, which is acidic and polar, at codon 531 of the MMP14 protein (p.Glu531Asp). This variant is not present in population databases (gnomAD no frequency). This variant has not been reported in the literature in individuals affected with MMP14-related conditions. ClinVar contains an entry for this variant (Variation ID: 1966480). An algorithm developed to predict the effect of missense changes on protein structure and function (PolyPhen-2) suggests that this variant is likely to be tolerated. In summary, the available evidence is currently insufficient to determine the role of this variant in disease. Therefore, it has been classified as a Variant of Uncertain Significance.